The following is an entry in ClinVar:

NM_001267550.2(TTN):c.56473del (p.Arg18825fs)

Genes: TTN (titin; minus strand), TTN-AS1 (TTN antisense RNA 1; plus strand). Cytogenetic location: 2q31.2.
Variant type: Deletion.
Coding change: c.56473del on transcript NM_001267550.2 (MANE Select); coding-DNA position 56473, one base deleted (A; older notation c.56473delA).
Protein change: p.Arg18825fs; shifts the reading frame from arginine 18825.
Molecular consequence: frameshift variant.
Genome position (GRCh38, 1-based): chr2:178,599,320, T deleted on the plus strand (A on the coding strand, the reverse complement: TTN is on the minus strand); the first of 4 consecutive T bases (chr2:178,599,320-178,599,323); deleting any one gives the same sequence. VCF-style (leftmost placement, unchanged base first): chr2-178599319-CT-C. GRCh37 (hg19) VCF-style: chr2-179464046-CT-C.
Other names: c.51550del, p.Arg17184fs (NM_001256850.1); c.29278del, p.Arg9760fs (NM_003319.4); c.48769del, p.Arg16257fs (NM_133378.4); c.29653del, p.Arg9885fs (NM_133432.3); c.29854del, p.Arg9952fs (NM_133437.4); c.29278delA (NM_003319.4); short protein forms R9952fs, R17184fs, R9885fs, R16257fs, R18825fs, R9760fs.
Identifiers: ClinVar variation 1797753 (VCV001797753.2), dbSNP rs2469888162, ClinGen allele CA2580064863.

ClinVar aggregate classification (germline): Likely pathogenic (1 of 4 stars; one submission).

Conditions:
Cardiovascular phenotype. Identifiers: MedGen CN230736.

Submission:

Ambry Genetics
Classification: Likely pathogenic for Cardiovascular phenotype. Last evaluated: 2021-11-18. Review status: criteria provided, single submitter. Criteria: Ambry Variant Classification Scheme 2023. Collection method: clinical testing. Allele origin: germline.
Comment: The c.29278delA variant, located in coding exon 117 of the TTN gene, results from a deletion of one nucleotide at nucleotide position 29278, causing a translational frameshift with a predicted alternate stop codon (p.R9760Efs*26). This exon is located in the A-band region of the N2-B isoform of the titin protein and is constitutively expressed in TTN transcripts (percent spliced in or PSI 100%). This variant is considered to be rare based on population cohorts in the Genome Aggregation Database (gnomAD). This alteration is expected to result in loss of function by premature protein truncation or nonsense-mediated mRNA decay. While truncating variants in TTN are present in 1-3% of the general population, truncating variants in the A-band are the most common cause of dilated cardiomyopathy (DCM) (Herman DS et al. N. Engl. J. Med., 2012 Feb;366:619-28; Roberts AM et al. Sci Transl Med, 2015 Jan;7:270ra6). TTN truncating variants encoded in constitutive exons (PSI >90%) have been found to be significantly associated with DCM regardless of their position in titin (Schafer S et al. Nat. Genet., 2017 01;49:46-53). As such, this alteration is classified as likely pathogenic.